The following is an entry in ClinVar:

ClinVar aggregate classification (germline): Benign/Likely benign. Review status: criteria provided, multiple submitters, no conflicts (2 of 4 stars). 3 submissions from 3 submitters: Benign (1); Likely benign (2). Last evaluated 2025-12-09.

Conditions:
Tuberous sclerosis 2 (TSC2). Identifiers: Orphanet 805, MedGen C1860707, MONDO:0013199, OMIM 613254.
Hereditary cancer-predisposing syndrome. Also called: Tumor predisposition; Hereditary Cancer Syndrome; Neoplastic Syndromes, Hereditary; Hereditary neoplastic syndrome. Identifiers: Orphanet 140162, MedGen C0027672, MeSH D009386, MONDO:0015356.

gnomAD v4.1: 3 of 1,614,132 alleles (0.00019%); highest among the groups gnomAD compares: Non-Finnish European, 0.00025%; no homozygotes.

Submissions (3):

Labcorp Genetics (formerly Invitae), Labcorp
Classification: Likely benign for Tuberous sclerosis 2. Last evaluated: 2025-12-09. Review status: criteria provided, single submitter. Criteria: Invitae Variant Classification Sherloc (09022015). Collection method: clinical testing. Allele origin: germline.

Myriad Genetics, Inc.
Classification: Benign for Tuberous sclerosis 2. Last evaluated: 2025-05-13. Review status: criteria provided, single submitter. Criteria: Myriad Autosomal Dominant, Autosomal Recessive and X-Linked Classification Criteria (2023). Collection method: clinical testing. Allele origin: unknown.
Comment: This variant is considered benign. This variant is a silent/synonymous amino acid change and it is not expected to impact splicing.

Ambry Genetics
Classification: Likely benign for Hereditary cancer-predisposing syndrome. Last evaluated: 2025-03-02. Review status: criteria provided, single submitter. Criteria: Ambry Variant Classification Scheme 2023. Collection method: clinical testing. Allele origin: germline.

NM_000548.5(TSC2):c.1035C>T (p.Leu345=)

Gene: TSC2 (TSC complex subunit 2; plus strand). Cytogenetic location: 16p13.3.
Variant type: single nucleotide variant.
Coding change: c.1035C>T on transcript NM_000548.5 (MANE Select); coding-DNA position 1035, C replaced by T.
Protein change: p.Leu345=; no amino-acid change (leucine 345 retained).
Molecular consequence: synonymous variant.
Genome position (GRCh38, 1-based): chr16:2,060,729, C>T. VCF-style: chr16-2060729-C-T. GRCh37 (hg19) VCF-style: chr16-2110730-C-T.
Other names: c.1035C>T, p.Leu345= (NM_001077183.3, NM_001114382.3, NM_001363528.2 and 3 more transcripts); c.924C>T, p.Leu308= (NM_001318827.2); c.888C>T, p.Leu296= (NM_001318829.2); c.435C>T, p.Leu145= (NM_001318831.2); c.1068C>T, p.Leu356= (NM_001318832.2).
Identifiers: ClinVar variation 764379 (VCV000764379.11), dbSNP rs1476429068, ClinGen allele CA492960822.